The following is an entry in ClinVar:

ClinVar aggregate classification (germline): Uncertain significance (1 of 4 stars; one submission).

Conditions:
Emery-Dreifuss muscular dystrophy 4, autosomal dominant (EDMD4). Also called: EMERY-DREIFUSS MUSCULAR DYSTROPHY 4 WITH VARIABLE FEATURES. Identifiers: Orphanet 261, MedGen C2751807, MONDO:0013071, OMIM 612998.
Autosomal recessive ataxia, Beauce type. Also called: Spinocerebellar ataxia, autosomal recessive 8; ATAXIA, RECESSIVE, OF BEAUCE; SYNE1-Related Autosomal Recessive Cerebellar Ataxia; SYNE1 Deficiency. Identifiers: Orphanet 88644, MedGen C1853116, MONDO:0012549, OMIM 610743.

gnomAD v4.1: 10 of 1,614,072 alleles (0.00062%); highest among the groups gnomAD compares: Middle Eastern, 0.016%; no homozygotes.

Submission:

Labcorp Genetics (formerly Invitae), Labcorp
Classification: Uncertain significance for Emery-Dreifuss muscular dystrophy 4, autosomal dominant; Autosomal recessive ataxia, Beauce type. Last evaluated: 2024-12-18. Review status: criteria provided, single submitter. Criteria: Invitae Variant Classification Sherloc (09022015). Collection method: clinical testing. Allele origin: germline.
Comment: This sequence change replaces serine, which is neutral and polar, with leucine, which is neutral and non-polar, at codon 5195 of the SYNE1 protein (p.Ser5195Leu). This variant is present in population databases (rs776756326, gnomAD 0.003%). This variant has not been reported in the literature in individuals affected with SYNE1-related conditions. An algorithm developed to predict the effect of missense changes on protein structure and function outputs the following: PolyPhen-2: "Benign". The leucine amino acid residue is found in multiple mammalian species, which suggests that this missense change does not adversely affect protein function. In summary, the available evidence is currently insufficient to determine the role of this variant in disease. Therefore, it has been classified as a Variant of Uncertain Significance.

NM_182961.4(SYNE1):c.15797C>T (p.Ser5266Leu)

Gene: SYNE1 (spectrin repeat containing nuclear envelope protein 1; minus strand). Cytogenetic location: 6q25.2.
Variant type: single nucleotide variant.
Coding change: c.15797C>T on transcript NM_182961.4 (MANE Select); coding-DNA position 15797, C replaced by T.
Protein change: p.Ser5266Leu; replaces serine 5266 with leucine.
Molecular consequence: missense variant.
Genome position (GRCh38, 1-based): chr6:152,323,598, G>A on the plus strand (C>T on the coding strand, the complement: SYNE1 is on the minus strand). VCF-style: chr6-152323598-G-A. GRCh37 (hg19) VCF-style: chr6-152644733-G-A.
Other names: c.15584C>T, p.Ser5195Leu (NM_033071.5); short protein forms S5195L, S5266L.
Identifiers: ClinVar variation 3751829 (VCV003751829.2).